The following is an entry in ClinVar:

NM_000081.4(LYST):c.5620T>C (p.Phe1874Leu)

Gene: LYST (lysosomal trafficking regulator; minus strand). Cytogenetic location: 1q42.3.
Variant type: single nucleotide variant.
Coding change: c.5620T>C on transcript NM_000081.4 (MANE Select); coding-DNA position 5620, T replaced by C.
Protein change: p.Phe1874Leu; replaces phenylalanine 1874 with leucine.
Molecular consequence: missense variant.
Genome position (GRCh38, 1-based): chr1:235,774,927, A>G on the plus strand (T>C on the coding strand, the complement: LYST is on the minus strand). VCF-style: chr1-235774927-A-G. GRCh37 (hg19) VCF-style: chr1-235938227-A-G.
Other names: c.5620T>C, p.Phe1874Leu (NM_001301365.1); short protein forms F1874L.
Identifiers: ClinVar variation 2682560 (VCV002682560.1), dbSNP rs757494655, ClinGen allele CA344950905.

ClinVar aggregate classification (germline): Uncertain significance (1 of 4 stars; one submission).

Submission:

Women's Health and Genetics/Laboratory Corporation of America, LabCorp
Classification: Uncertain significance. Last evaluated: 2023-11-16. Review status: criteria provided, single submitter. Criteria: LabCorp Variant Classification Summary - May 2015. Collection method: clinical testing. Allele origin: germline.
Comment: Variant summary: LYST c.5620T>C (p.Phe1874Leu) results in a non-conservative amino acid change in the encoded protein sequence. Three of five in-silico tools predict a damaging effect of the variant on protein function. The variant was absent in 250062 control chromosomes. The available data on variant occurrences in the general population are insufficient to allow any conclusion about variant significance. To our knowledge, no occurrence of c.5620T>C in individuals affected with Chediak-Higashi Syndrome and no experimental evidence demonstrating its impact on protein function have been reported. No submitters have cited clinical-significance assessments for this variant to ClinVar after 2014. Based on the evidence outlined above, the variant was classified as uncertain significance.